The following is an entry in ClinVar:

NM_014319.5(LEMD3):c.2446G>C (p.Asp816His)

Gene: LEMD3 (LEM domain containing 3; plus strand). Cytogenetic location: 12q14.3.
Variant type: single nucleotide variant.
Coding change: c.2446G>C on transcript NM_014319.5 (MANE Select); coding-DNA position 2446, G replaced by C.
Protein change: p.Asp816His; replaces aspartic acid 816 with histidine.
Molecular consequence: missense variant.
Genome position (GRCh38, 1-based): chr12:65,245,727, G>C. VCF-style: chr12-65245727-G-C. GRCh37 (hg19) VCF-style: chr12-65639507-G-C.
Other names: c.2443G>C, p.Asp815His (NM_001167614.2); short protein forms D815H, D816H.
Identifiers: ClinVar variation 2851262 (VCV002851262.3), dbSNP rs2498913224, ClinGen allele CA385675523.
Genomic context (GRCh38, chr12:65,245,727, plus strand): 5'-AGGGAAATAGGGGATCAGTGGCATTTGGCAATTCAAGAAGCAATTTTAGAAAAATGCAGT[G>C]ATAATGATGGCATTGTTCACATTGCAGTAGACAAAAATTCACGTGAGGTAAAGTAACTTT-3'
Protein context (NP_055134.2, residues 806-826): IQEAILEKCS[Asp816His]NDGIVHIAVD

ClinVar aggregate classification (germline): Uncertain significance (1 of 4 stars; one submission).

Allele frequency attached by ClinVar (database versions not stated): gnomAD exomes below 0.00001.
gnomAD v4.1: 1 of 1,613,916 alleles (0.000062%); highest among the groups gnomAD compares: Non-Finnish European, 0.000085%; no homozygotes.

Submission:

Labcorp Genetics (formerly Invitae), Labcorp
Classification: Uncertain significance. Last evaluated: 2023-03-31. Review status: criteria provided, single submitter. Criteria: Invitae Variant Classification Sherloc (09022015). Collection method: clinical testing. Allele origin: germline.
Comment: Advanced modeling of protein sequence and biophysical properties (such as structural, functional, and spatial information, amino acid conservation, physicochemical variation, residue mobility, and thermodynamic stability) performed at Invitae indicates that this missense variant is not expected to disrupt LEMD3 protein function. In summary, the available evidence is currently insufficient to determine the role of this variant in disease. Therefore, it has been classified as a Variant of Uncertain Significance. This variant is not present in population databases (gnomAD no frequency). This variant has not been reported in the literature in individuals affected with LEMD3-related conditions. This sequence change replaces aspartic acid, which is acidic and polar, with histidine, which is basic and polar, at codon 816 of the LEMD3 protein (p.Asp816His).